The following is an entry in ClinVar:

NM_018238.4(AGK):c.401G>A (p.Gly134Asp)

Gene: AGK (acylglycerol kinase; plus strand). Cytogenetic location: 7q34.
Variant type: single nucleotide variant.
Coding change: c.401G>A on transcript NM_018238.4 (MANE Select); coding-DNA position 401, G replaced by A.
Protein change: p.Gly134Asp; replaces glycine 134 with aspartic acid.
Molecular consequence: missense variant.
Genome position (GRCh38, 1-based): chr7:141,614,156, G>A. VCF-style: chr7-141614156-G-A. GRCh37 (hg19) VCF-style: chr7-141313956-G-A.
Other names: c.401G>A, p.Gly134Asp (NM_001364948.3); short protein forms G134D.
Identifiers: ClinVar variation 1401384 (VCV001401384.6), dbSNP rs568195338, ClinGen allele CA4517425.

ClinVar aggregate classification (germline): Uncertain significance (1 of 4 stars; one submission).

Conditions:
Sengers syndrome. Also called: MITOCHONDRIAL DNA DEPLETION SYNDROME 10 (CARDIOMYOPATHIC TYPE); Cardiomyopathy and cataract. Identifiers: Orphanet 1369, MedGen C1859317, MONDO:0008922, OMIM 212350.
Cataract 38. Also called: Cataract, autosomal recessive congenital 5; Cataract 38, autosomal recessive. Identifiers: Orphanet 91492, MedGen C3553494, MONDO:0013859, OMIM 614691.

Allele frequency attached by ClinVar (database versions not stated): gnomAD exomes 0.00001; ExAC 0.00002; gnomAD 0.00002 and 0.00003; TOPMed 0.00004; 1000 Genomes Project 30x 0.00031; 1000 Genomes Project 0.00040.
gnomAD v4.1: 11 of 1,536,282 alleles (0.00072%); highest among the groups gnomAD compares: African/African-American, 0.015%; no homozygotes.

Submission:

Labcorp Genetics (formerly Invitae), Labcorp
Classification: Uncertain significance for Sengers syndrome; Cataract 38. Last evaluated: 2024-11-05. Review status: criteria provided, single submitter. Criteria: Invitae Variant Classification Sherloc (09022015). Collection method: clinical testing. Allele origin: germline.
Comment: This sequence change replaces glycine, which is neutral and non-polar, with aspartic acid, which is acidic and polar, at codon 134 of the AGK protein (p.Gly134Asp). This variant is present in population databases (rs568195338, gnomAD 0.02%). This variant has not been reported in the literature in individuals affected with AGK-related conditions. ClinVar contains an entry for this variant (Variation ID: 1401384). Invitae Evidence Modeling of protein sequence and biophysical properties (such as structural, functional, and spatial information, amino acid conservation, physicochemical variation, residue mobility, and thermodynamic stability) indicates that this missense variant is expected to disrupt AGK protein function with a positive predictive value of 80%. In summary, the available evidence is currently insufficient to determine the role of this variant in disease. Therefore, it has been classified as a Variant of Uncertain Significance.